The following is an entry in ClinVar:

ClinVar aggregate classification (germline): Conflicting classifications of pathogenicity. Review status: criteria provided, conflicting classifications (1 of 4 stars). 3 submissions from 3 submitters: Uncertain significance (1); Benign (1). 1 of the submissions does not count toward it. Last evaluated 2024-06-30.

Conditions:
Primary ciliary dyskinesia. Also called: Ciliary dyskinesia. Identifiers: Orphanet 244, MedGen C0008780, MONDO:0016575, HP:0012265.

Allele frequency attached by ClinVar (database versions not stated): gnomAD exomes 0.00007; gnomAD 0.00006 and 0.00005; TOPMed 0.00009; ESP Exome Variant Server 0.00015.
gnomAD v4.1: 113 of 1,613,954 alleles (0.007%); highest among the groups gnomAD compares: African/African-American, 0.0093%; no homozygotes.

Submissions (3):

Labcorp Genetics (formerly Invitae), Labcorp
Classification: Benign for Primary ciliary dyskinesia. Last evaluated: 2024-06-30. Review status: criteria provided, single submitter. Criteria: Invitae Variant Classification Sherloc (09022015). Collection method: clinical testing. Allele origin: germline.

Ambry Genetics
Classification: Uncertain significance for Primary ciliary dyskinesia. Last evaluated: 2016-04-13. Review status: criteria provided, single submitter. Criteria: Ambry Variant Classification Scheme 2023. Collection method: clinical testing. Allele origin: germline.
Comment: The p.E538K variant (also known as c.1612G>A), located in coding exon 12 of the DNAH5 gene, results from a G to A substitution at nucleotide position 1612. The glutamic acid at codon 538 is replaced by lysine, an amino acid with similar properties. This variant was previously reported in the SNPDatabase as rs141651575. Based on data from the NHLBI Exome Sequencing Project (ESP), the A allele has an overall frequency of approximately 0.02% (2/13004) total alleles studied, having been observed in 0.02% (1/4404) African American alleles and 0.01% (1/8600) European American alleles. This amino acid position is highly conserved in available vertebrate species. In addition, this alteration is predicted to be tolerated by in silico analysis. Since supporting evidence is limited at this time, the clinical significance of this alteration remains unclear.

Natera, Inc.
Classification: Uncertain significance for Primary ciliary dyskinesia. Last evaluated: 2020-09-16. Review status: no assertion criteria provided. Collection method: clinical testing. Allele origin: germline. Not counted in ClinVar's aggregate classification.

NM_001369.3(DNAH5):c.1612G>A (p.Glu538Lys)

Gene: DNAH5 (dynein axonemal heavy chain 5; minus strand). Cytogenetic location: 5p15.2.
Variant type: single nucleotide variant.
Coding change: c.1612G>A on transcript NM_001369.3 (MANE Select); coding-DNA position 1612, G replaced by A.
Protein change: p.Glu538Lys; replaces glutamic acid 538 with lysine.
Molecular consequence: missense variant.
Genome position (GRCh38, 1-based): chr5:13,911,418, C>T on the plus strand (G>A on the coding strand, the complement: DNAH5 is on the minus strand). VCF-style: chr5-13911418-C-T. GRCh37 (hg19) VCF-style: chr5-13911527-C-T.
Other names: short protein forms E538K.
Identifiers: ClinVar variation 75677 (VCV000075677.9), dbSNP rs141651575, ClinGen allele CA3204801.